The following is an entry in ClinVar:

NM_000090.4(COL3A1):c.2446-18TGT[2]

Gene: COL3A1 (collagen type III alpha 1 chain; plus strand). Cytogenetic location: 2q32.2.
Variant type: Microsatellite.
Coding change: c.2446-18TGT[2] on transcript NM_000090.4 (MANE Select); two copies in a row of the 3-base unit TGT starting at c.2446-18.
Molecular consequence: intron variant.
Genome position: GRCh38 VCF-style: chr2-189002936-CTGT-C. GRCh37 (hg19) VCF-style: chr2-189867662-CTGT-C.
Other names: c.2446-10_2446-8delTTG (NM_000090.4).
Identifiers: ClinVar variation 3704333 (VCV003704333.3).

ClinVar aggregate classification (germline): Likely benign. Review status: criteria provided, multiple submitters, no conflicts (2 of 4 stars). 2 submissions from 2 submitters: Likely benign (2). Last evaluated 2026-04-27.

Conditions:
Ehlers-Danlos syndrome, type 4 (EDSVASC). Also called: Ehlers-Danlos syndrome vascular type; Ehlers Danlos syndrome, ecchymotic type; Ehlers Danlos syndrome, arterial type; Ehlers Danlos syndrome, Sack-Barabas type; Ehlers-Danlos Syndrome Type IV. Identifiers: Orphanet 286, MedGen C0268338, MONDO:0017314, OMIM 130050.

Submissions (2):

Women's Health and Genetics/Laboratory Corporation of America, LabCorp
Classification: Likely benign. Last evaluated: 2026-04-27. Review status: criteria provided, single submitter. Criteria: LabCorp Variant Classification Summary - May 2015. Collection method: clinical testing. Allele origin: germline.
Comment: Variant summary: COL3A1 c.2446-10_2446-8delTTG alters a nucleotide located at a position not widely known to affect splicing. Consensus agreement among computation tools predict no significant impact on normal splicing. However, these predictions have yet to be confirmed by functional studies. The variant allele was found at a frequency of 6.4e-06 in 156370 control chromosomes. The available data on variant occurrences in the general population are insufficient to allow any conclusion about variant significance. To our knowledge, no occurrence of c.2446-10_2446-8delTTG in individuals affected with COL3A1-related conditions and no experimental evidence demonstrating its impact on protein function have been reported. ClinVar contains an entry for this variant (Variation ID: 3704333). Based on the evidence outlined above, the variant was classified as likely benign.

Labcorp Genetics (formerly Invitae), Labcorp
Classification: Likely benign for Ehlers-Danlos syndrome, type 4. Last evaluated: 2025-12-02. Review status: criteria provided, single submitter. Criteria: Invitae Variant Classification Sherloc (09022015). Collection method: clinical testing. Allele origin: germline.